The following is an entry in ClinVar:

NM_003072.5(SMARCA4):c.3660C>T (p.Tyr1220=)

Gene: SMARCA4 (SWI/SNF related BAF chromatin remodeling complex subunit ATPase 4; plus strand). Cytogenetic location: 19p13.2.
Variant type: single nucleotide variant.
Coding change: c.3660C>T on transcript NM_003072.5 (MANE Select); coding-DNA position 3660, C replaced by T.
Protein change: p.Tyr1220=; no amino-acid change (tyrosine 1220 retained).
Molecular consequence: synonymous variant. On other transcripts: non-coding transcript variant (1).
Genome position (GRCh38, 1-based): chr19:11,033,403, C>T. VCF-style: chr19-11033403-C-T. GRCh37 (hg19) VCF-style: chr19-11144079-C-T.
Other names: c.3660C>T, p.Tyr1220= (NM_001128844.3, NM_001128845.2, NM_001128846.2 and 5 more transcripts).
Identifiers: ClinVar variation 470364 (VCV000470364.17), dbSNP rs1555784543, ClinGen allele CA505743664.

ClinVar aggregate classification (germline): Benign/Likely benign. Review status: criteria provided, multiple submitters, no conflicts (2 of 4 stars). 3 submissions from 3 submitters: Benign (1); Likely benign (2). Last evaluated 2026-07-15.

Conditions:
Rhabdoid tumor predisposition syndrome 2 (RTPS2). Identifiers: Orphanet 231108, Orphanet 69077, MedGen C2750074, MONDO:0013224, OMIM 613325.
Hereditary cancer-predisposing syndrome. Also called: Tumor predisposition; Neoplastic Syndromes, Hereditary; Hereditary Cancer Syndrome; Hereditary neoplastic syndrome. Identifiers: Orphanet 140162, MedGen C0027672, MeSH D009386, MONDO:0015356.

Allele frequency attached by ClinVar (database versions not stated): gnomAD exomes below 0.00001.
gnomAD v4.1: 3 of 1,613,522 alleles (0.00019%); highest among the groups gnomAD compares: South Asian, 0.0011%; no homozygotes.

Submissions (3):

Myriad Genetics, Inc.
Classification: Benign for Rhabdoid tumor predisposition syndrome 2. Last evaluated: 2026-07-15. Review status: criteria provided, single submitter. Criteria: Myriad Autosomal Dominant, Autosomal Recessive and X-Linked Classification Criteria (2023). Collection method: clinical testing. Allele origin: unknown.
Comment: This variant is considered benign. This variant is a silent/synonymous amino acid change and it is not expected to impact splicing.

Labcorp Genetics (formerly Invitae), Labcorp
Classification: Likely benign for Rhabdoid tumor predisposition syndrome 2. Last evaluated: 2025-11-20. Review status: criteria provided, single submitter. Criteria: Invitae Variant Classification Sherloc (09022015). Collection method: clinical testing. Allele origin: germline.

Ambry Genetics
Classification: Likely benign for Hereditary cancer-predisposing syndrome. Last evaluated: 2018-11-21. Review status: criteria provided, single submitter. Criteria: Ambry Variant Classification Scheme 2023. Collection method: clinical testing. Allele origin: germline.